The following is an entry in ClinVar:

ClinVar aggregate classification (germline): Conflicting classifications of pathogenicity. Review status: criteria provided, conflicting classifications (1 of 4 stars). 17 submissions from 17 submitters: Uncertain significance (1); Benign (7); Likely benign (7). 2 of the submissions do not count toward it. Last evaluated 2026-02-01.

Conditions:
Classic or attenuated familial adenomatous polyposis. Identifiers: MedGen CN372698, MONDO:0021057.
APC-related disorder. Also called: APC-related condition.
APC-Associated Polyposis Disorders.
Colorectal adenoma. Identifiers: MedGen C1302401, MONDO:0005484.
Hereditary cancer-predisposing syndrome. Also called: Tumor predisposition; Hereditary neoplastic syndrome; Hereditary Cancer Syndrome; Neoplastic Syndromes, Hereditary. Identifiers: Orphanet 140162, MedGen C0027672, MeSH D009386, MONDO:0015356.
Ovarian cancer. Also called: OVARIAN CANCER, SOMATIC. Identifiers: Orphanet 213500, MedGen C1140680, MONDO:0008170, OMIM 167000.
Familial adenomatous polyposis 1 (FAP1). Also called: POLYPOSIS, ADENOMATOUS INTESTINAL; FAMILIAL ADENOMATOUS POLYPOSIS 1, ATTENUATED. Identifiers: MedGen C2713442, MONDO:0021056, OMIM 175100. Disease mechanism: loss of function.

Allele frequency attached by ClinVar (database versions not stated): 1000 Genomes Project 0.00060; gnomAD exomes 0.00013 and 0.00028; TOPMed 0.00013; ESP Exome Variant Server 0.00015; gnomAD 0.00015 and 0.00017; ExAC 0.00028; 1000 Genomes Project 30x 0.00047.
gnomAD v4.1: 240 of 1,613,838 alleles (0.015%); highest among the groups gnomAD compares: Admixed American, 0.013%; no homozygotes.

Submissions (17):

CeGaT Center for Human Genetics Tuebingen
Classification: Benign. Last evaluated: 2026-02-01. Review status: criteria provided, single submitter. Criteria: CeGaT Center For Human Genetics Tuebingen Variant Classification Criteria Version 2. Collection method: clinical testing. Allele origin: germline. Affected: yes. Observed: 11 variant alleles.
Comment: APC: BS1, BS2

Labcorp Genetics (formerly Invitae), Labcorp
Classification: Benign for Familial adenomatous polyposis 1. Last evaluated: 2026-01-27. Review status: criteria provided, single submitter. Criteria: Invitae Variant Classification Sherloc (09022015). Collection method: clinical testing. Allele origin: germline.

Center for Genomic Medicine, Rigshospitalet, Copenhagen University Hospital
Classification: Likely benign. Last evaluated: 2025-03-04. Review status: criteria provided, single submitter. Criteria: ACMG Guidelines, 2015. Collection method: clinical testing. Allele origin: germline.

Blueprint Genetics
Classification: Likely benign. Last evaluated: 2024-10-09. Review status: criteria provided, single submitter. Criteria: ACMG Guidelines, 2015. Collection method: clinical testing. Allele origin: germline.

All of Us Research Program, National Institutes of Health
Classification: Likely benign for Classic or attenuated familial adenomatous polyposis. Last evaluated: 2024-09-23. Review status: criteria provided, single submitter. Criteria: ACMG Guidelines, 2015. Collection method: clinical testing. Allele origin: germline. Inheritance: Autosomal dominant inheritance. Observed: 76 variant alleles, 76 heterozygotes.
Comment: This study involves interpretation of variants in research participants for the purpose of population health screening. Participant phenotype was not available at the time of variant classification. Additional details can be found in publication PMID: 35346344, PMCID: PMC8962531

Color Diagnostics, LLC DBA Color Health
Classification: Benign for Hereditary cancer-predisposing syndrome. Last evaluated: 2024-09-19. Review status: criteria provided, single submitter. Criteria: ACMG Guidelines, 2015. Collection method: clinical testing. Allele origin: germline.

Women's Health and Genetics/Laboratory Corporation of America, LabCorp
Classification: Benign. Last evaluated: 2023-03-30. Review status: criteria provided, single submitter. Criteria: LabCorp Variant Classification Summary - May 2015. Collection method: clinical testing. Allele origin: germline.
Comment: Variant summary: APC c.6985A>G (p.Ile2329Val) results in a conservative amino acid change located in the Adenomatous polyposis coli protein basic domain (IPR009234) of the encoded protein sequence. Four of five in-silico tools predict a benign effect of the variant on protein function. The variant allele was found at a frequency of 0.00029 in 252890 control chromosomes. The observed variant frequency is approximately 4 fold of the estimated maximal expected allele frequency for a pathogenic variant in APC causing Familial Adenomatous Polyposis phenotype (7.1e-05), strongly suggesting that the variant is benign. c.6985A>G has been reported in the literature in individuals affected with Lynch syndrome associated cancer and individuals who were high risk for colorectal cancer (example, Azzopardi_2008, Martin-Morales _2018). These report(s) do not provide unequivocal conclusions about association of the variant with Familial Adenomatous Polyposis. To our knowledge, no experimental evidence demonstrating an impact on protein function has been reported. Nine clinical diagnostic laboratories have submitted clinical-significance assessments for this variant to ClinVar after 2014 without evidence for independent evaluation. Based on the evidence outlined above, the variant was classified as benign.

Institute for Biomarker Research, Medical Diagnostic Laboratories, L.L.C.
Classification: Benign for Hereditary cancer-predisposing syndrome. Last evaluated: 2023-03-09. Review status: criteria provided, single submitter. Criteria: ACMG Guidelines, 2015. Collection method: clinical testing. Allele origin: germline.

Laboratory of Molecular Epidemiology of Birth Defects, West China Second University Hospital, Sichuan University
Classification: Benign for Ovarian cancer. Last evaluated: 2022-01-01. Review status: criteria provided, single submitter. Criteria: ACMG Guidelines, 2015. Collection method: clinical testing. Allele origin: germline. Affected: yes.

GeneDx
Classification: Likely benign. Last evaluated: 2021-09-20. Review status: criteria provided, single submitter. Criteria: GeneDx Variant Classification Process June 2021. Collection method: clinical testing. Allele origin: germline. Affected: yes.
Comment: This variant is associated with the following publications: (PMID: 25203624, 25801821, 26332594, 25980754, 25637381, 18199528, 21859464)

Sema4
Classification: Likely benign for Hereditary cancer-predisposing syndrome. Last evaluated: 2021-08-03. Review status: criteria provided, single submitter. Criteria: Sema4 Curation Guidelines. Collection method: curation. Allele origin: germline.

Department of Pathology and Laboratory Medicine, Sinai Health System
Classification: Likely benign for classic or attenuated familial adenomatous polyposis. Last evaluated: 2021-06-24. Review status: criteria provided, single submitter. Criteria: ACMG Guidelines, 2015. Collection method: clinical testing. Allele origin: germline. Affected: yes.

Mendelics
Classification: Benign for Familial adenomatous polyposis 1. Last evaluated: 2019-05-28. Review status: criteria provided, single submitter. Criteria: Mendelics Assertion Criteria 2017. Collection method: clinical testing. Allele origin: unknown.

Ambry Genetics
Classification: Likely benign for Hereditary cancer-predisposing syndrome. Last evaluated: 2019-01-08. Review status: criteria provided, single submitter. Criteria: Ambry Variant Classification Scheme 2023. Collection method: clinical testing. Allele origin: germline.

Illumina Laboratory Services, Illumina
Classification: Uncertain significance for APC-Associated Polyposis Disorders. Last evaluated: 2017-04-27. Review status: criteria provided, single submitter. Criteria: ICSL Variant Classification Criteria 13 December 2019. Collection method: clinical testing. Allele origin: germline.
Comment: This variant was observed as part of a predisposition screen in an ostensibly healthy population. A literature search was performed for the gene, cDNA change, and amino acid change (where applicable). Publications were found based on this search. However, the evidence from the literature, in combination with allele frequency data from public databases where available, was not sufficient to rule this variant in or out of causing disease. Therefore, this variant is classified as a variant of unknown significance.

PreventionGenetics, part of Exact Sciences
Classification: Benign for APC-related condition. Last evaluated: 2019-07-30. Review status: no assertion criteria provided. Collection method: clinical testing. Allele origin: germline. Not counted in ClinVar's aggregate classification.
Comment: This variant is classified as benign based on ACMG/AMP sequence variant interpretation guidelines (Richards et al. 2015 PMID: 25741868, with internal and published modifications).

CSER _CC_NCGL, University of Washington
Classification: Likely benign for Colorectal adenoma. Last evaluated: 2014-06-01. Review status: no assertion criteria provided. Collection method: research. Allele origin: germline. Inheritance: Autosomal dominant inheritance. Study: ESP 6500 variant annotation. Not counted in ClinVar's aggregate classification.
Comment: Variants classified for the Actionable exomic incidental findings in 6503 participants: challenges of variant classification manuscript

Literature cited by the submitters: PubMed 21859464 (cited by Women's Health and Genetics/Laboratory Corporation of America, LabCorp and Ambry Genetics); PubMed 18199528 (cited by 4 submitters); PubMed 25980754 (cited by Women's Health and Genetics/Laboratory Corporation of America, LabCorp and Department of Pathology and Laboratory Medicine, Sinai Health System); PubMed 26332594 (cited by Women's Health and Genetics/Laboratory Corporation of America, LabCorp and Department of Pathology and Laboratory Medicine, Sinai Health System); PubMed 25637381 (cited by Women's Health and Genetics/Laboratory Corporation of America, LabCorp); PubMed 25203624 (cited by 3 submitters); PubMed 26000489 (cited by Women's Health and Genetics/Laboratory Corporation of America, LabCorp); PubMed 30256826 (cited by Women's Health and Genetics/Laboratory Corporation of America, LabCorp and Department of Pathology and Laboratory Medicine, Sinai Health System).

NM_000038.6(APC):c.6985A>G (p.Ile2329Val)

Gene: APC (APC regulator of Wnt signaling pathway; plus strand). Cytogenetic location: 5q22.2.
Variant type: single nucleotide variant.
Coding change: c.6985A>G on transcript NM_000038.6 (MANE Select); coding-DNA position 6985, A replaced by G.
Protein change: p.Ile2329Val; replaces isoleucine 2329 with valine.
Molecular consequence: missense variant.
Genome position (GRCh38, 1-based): chr5:112,842,579, A>G. VCF-style: chr5-112842579-A-G. GRCh37 (hg19) VCF-style: chr5-112178276-A-G.
Other names: p.I2329V:ATT>GTT; c.6985A>G, p.Ile2329Val (NM_001127510.3, NM_001354895.2); c.6931A>G, p.Ile2311Val (NM_001127511.3); c.7039A>G, p.Ile2347Val (NM_001354896.2); c.7015A>G, p.Ile2339Val (NM_001354897.2); c.6910A>G, p.Ile2304Val (NM_001354898.2); c.6901A>G, p.Ile2301Val (NM_001354899.2); c.6862A>G, p.Ile2288Val (NM_001354900.2); and 6 more; short protein forms I2329V, I2311V, I2046V, I2203V, I2270V, I2288V, I2301V, I2304V.
Identifiers: ClinVar variation 135716 (VCV000135716.68), dbSNP rs146048493, ClinGen allele CA012738.
Genomic context (GRCh38, chr5:112,842,579, plus strand): 5'-CCTTCAAGACCTGCCCAGCAACCATTAAGTAGACCTATACAGTCTCCTGGCCGAAACTCA[A>G]TTTCCCCTGGTAGAAATGGAATAAGTCCTCCTAACAAATTATCTCAACTTCCAAGGACAT-3'
Protein context (NP_000029.2, residues 2319-2339): RPIQSPGRNS[Ile2329Val]SPGRNGISPP